The following is an entry in ClinVar:

ClinVar aggregate classification (germline): Likely benign (1 of 4 stars; one submission).

Submission:

CeGaT Center for Human Genetics Tuebingen
Classification: Likely benign. Last evaluated: 2026-09-01. Review status: criteria provided, single submitter. Criteria: CeGaT Center For Human Genetics Tuebingen Variant Classification Criteria Version 2. Collection method: clinical testing. Allele origin: germline. Affected: yes. Observed: 1 variant allele.
Comment: CEL: PM2:Supporting, BP4, BP7

NM_001807.6(CEL):c.2052G>A (p.Thr684=)

Gene: CEL (carboxyl ester lipase; plus strand). Cytogenetic location: 9q34.13.
Variant type: single nucleotide variant.
Coding change: c.2052G>A on transcript NM_001807.6 (MANE Select); coding-DNA position 2052, G replaced by A.
Protein change: p.Thr684=; no amino-acid change (threonine 684 retained).
Molecular consequence: synonymous variant.
Genome position (GRCh38, 1-based): chr9:133,071,554, G>A. VCF-style: chr9-133071554-G-A. GRCh37 (hg19) VCF-style: chr9-135946941-G-A.
Identifiers: ClinVar variation 5041295 (VCV005041295.1).